The following is an entry in ClinVar:

GRCh37/hg19 Xq28(chrX:154130223-154563104)x3

Genes: BRCC3 (BRCA1/BRCA2-containing complex subunit 3; plus strand), CLIC2 (chloride intracellular channel 2; minus strand), CMC4 (C-X9-C motif containing 4; minus strand), F8 (coagulation factor VIII; minus strand), FUNDC2 (FUN14 domain containing 2; plus strand) and 3 more. Cytogenetic location: Xq28.
Variant type: copy number gain.
Change: copy number 3 of chrX:154,130,223-154,563,104 (432.9 kb, GRCh37 coordinates, 1-based), cytogenetic band Xq28.
Identifiers: ClinVar variation 929335 (VCV000929335.2).

ClinVar aggregate classification (germline): Pathogenic (1 of 4 stars; one submission).

Submission:

Clinical Genomics Laboratory, Laboratory for Precision Diagnostics, University of Washington
Classification: Pathogenic. Last evaluated: 2019-04-30. Review status: criteria provided, single submitter. Criteria: Clinical Cytogenomics Laboratory Policy on CNV Interpretation. Collection method: clinical testing. Allele origin: unknown. Affected: yes. Observed: 1 variant allele.

Literature cited by the submitters: PubMed 25927380.